The following continues an entry in ClinVar:

NM_201253.3(CRB1):c.2308G>A (p.Gly770Ser)

Gene: CRB1. ClinVar aggregate classification (germline): Pathogenic/Likely pathogenic. Pathogenic (10); Likely pathogenic (5).

Submissions 14 to 16 of 16:

Victorian Clinical Genetics Services, Murdoch Childrens Research Institute
Classification: Pathogenic for Retinitis pigmentosa 12. Last evaluated: 2022-02-02. Review status: criteria provided, single submitter. Criteria: ACMG Guidelines, 2015. Collection method: clinical testing. Allele origin: germline. Inheritance: Autosomal recessive inheritance.
Comment: Based on the classification scheme VCGS_Germline_v1.3.4, this variant is classified as pathogenic. The following criteria are met: 0102 - Loss of function is a known mechanism of disease in this gene and is associated with retinitis pigmentosa-12 (MIM#600105), Leber congenital amaurosis 8 (MIM#613835) and pigmented paravenous chorioretinal atrophy (MIM#172870). (I) 0108 - This gene is associated with both recessive and dominant disease (OMIM). Pigmented paravenous chorioretinal atrophy is reported as autosomal dominant but with only a single variant as evidence (p.(Val162Met)) (PMID: 15623792). While it segregated within a large family, this variant has a high frequency in the population and poor conservation with recent papers questioning its pathogenicity (PMID: 30910914). (I) 0115 - Variants in this gene are known to have variable expressivity. Expression of retinal disease can be variable, even within families (PMIDs: 33387055; 29391521; 22065545). (I) 0200 - Variant is predicted to result in a missense amino acid change from glycine to serine. (I) 0251 - This variant is heterozygous. (I) 0304 - Variant is present in gnomAD <0.01 for a recessive condition (v2) (5 heterozygotes, 0 homozygotes). (SP) 0309 - An alternative amino acid change at the same position has been observed in gnomAD (v2) (1 heterozygote, 0 homozygotes). (I) 0501 - Missense variant consistently predicted to be damaging by multiple in silico tools or highly conserved with a major amino acid change. (SP) 0600 - Variant is located in the annotated laminin G domain (NCBI conserved domains, Pfam). (I) 0801 - This variant has strong previous evidence of pathogenicity in unrelated individuals. In ClinVar there is one pathogenic, one likely pathogenic (most recent), and one VUS entry. This variant has also been reported in at least 5 patients with retinitis pigmentosa (PMIDs: 27113771; 27208204; 28559085; 30576320; 31879567). (SP) 1007 - No published functional evidence has been identified for this variant. (I) 0703 - Other missense variants comparable to the one identified in this case have moderate previous evidence for pathogenicity. Missense amino acid changes to aspartic acid, arginine and valine have all been reported at least once as disease causing (PMIDs: 27208204; 24265693; 23379534). Also, there is one VUS entry in ClinVar for p.(Gly770Asp) (ClinVar). (SP) Legend: (SP) - Supporting pathogenic, (I) - Information, (SB) - Supporting benign

Ocular Genomics Institute, Massachusetts Eye and Ear
Classification: Likely pathogenic for Retinitis pigmentosa 12. Last evaluated: 2021-04-08. Review status: criteria provided, single submitter. Criteria: ACMG Guidelines, 2015. Collection method: research. Allele origin: germline. Affected: yes.
Comment: Through a review of available evidence we were able to apply the following criteria: PM2, PP3, PM1, PM3-S. Based on this evidence we have classified this variant as Likely Pathogenic.

Centre for Genomic Medicine, Manchester, Central Manchester University Hospitals
Classification: Uncertain significance for Retinal dystrophy. Review status: no assertion criteria provided. Collection method: clinical testing. Allele origin: germline. Affected: yes. Not counted in ClinVar's aggregate classification.

Literature cited by the submitters: PubMed 28559085 (cited by 6 submitters); PubMed 31964843 (cited by Women's Health and Genetics/Laboratory Corporation of America, LabCorp and Institute of Human Genetics, Univ. Regensburg, Univ. Regensburg); PubMed 37240262 (cited by Women's Health and Genetics/Laboratory Corporation of America, LabCorp); PubMed 40900079 (cited by Women's Health and Genetics/Laboratory Corporation of America, LabCorp); PubMed 27113771 (cited by 7 submitters); PubMed 27208204 (cited by 5 submitters); PubMed 30576320 (cited by 6 submitters); PubMed 31879567 (cited by 3 submitters); PubMed 34884448 (cited by Natera, Inc. and Institute of Human Genetics, Univ. Regensburg, Univ. Regensburg); PubMed 31816670 (cited by Natera, Inc. and Institute of Human Genetics, Univ. Regensburg, Univ. Regensburg); PubMed 23379534 (cited by 3billion and Victorian Clinical Genetics Services, Murdoch Childrens Research Institute); PubMed 33090715 (cited by Institute of Human Genetics, Univ. Regensburg, Univ. Regensburg); PubMed 36460718 (cited by Institute of Human Genetics, Univ. Regensburg, Univ. Regensburg); PubMed 15623792 (cited by Victorian Clinical Genetics Services, Murdoch Childrens Research Institute); PubMed 22065545 (cited by Victorian Clinical Genetics Services, Murdoch Childrens Research Institute); PubMed 24265693 (cited by Victorian Clinical Genetics Services, Murdoch Childrens Research Institute); PubMed 29391521 (cited by Victorian Clinical Genetics Services, Murdoch Childrens Research Institute); PubMed 30910914 (cited by Victorian Clinical Genetics Services, Murdoch Childrens Research Institute); PubMed 33387055 (cited by Victorian Clinical Genetics Services, Murdoch Childrens Research Institute).